The following is an entry in ClinVar:

ClinVar aggregate classification (germline): Pathogenic. Review status: criteria provided, multiple submitters, no conflicts (2 of 4 stars). 2 submissions from 2 submitters: Pathogenic (2). Last evaluated 2024-06-05.

Conditions:
Osteogenesis imperfecta type I (OI1). Also called: Lobstein's Disease; Classic Non-deforming Osteogenesis Imperfecta with Blue Sclerae; Lobstein disease; OI, TYPE I; OSTEOGENESIS IMPERFECTA TARDA; OSTEOGENESIS IMPERFECTA WITH BLUE SCLERAE. Identifiers: Orphanet 216796, Orphanet 666, MedGen C0023931, MONDO:0008146, OMIM 166200. Disease mechanism: loss of function.
Ehlers-Danlos syndrome, classic type, 1 (EDSCL1). Also called: Ehlers-Danlos syndrome, type 1; Ehlers-Danlos Syndrome, Classic Type, COL5A1-Related; EDS I; EHLERS-DANLOS SYNDROME, GRAVIS TYPE; EHLERS-DANLOS SYNDROME, SEVERE CLASSIC TYPE. Identifiers: MedGen C0268335, MONDO:0019567, OMIM 130000.
Ehlers-Danlos syndrome, classic type (cEDS). Identifiers: Orphanet 287, MedGen C4225429, MONDO:0007522.

Submissions (2):

Labcorp Genetics (formerly Invitae), Labcorp
Classification: Pathogenic for Osteogenesis imperfecta type I; Ehlers-Danlos syndrome, classic type, 1. Last evaluated: 2024-06-05. Review status: criteria provided, single submitter. Criteria: Invitae Variant Classification Sherloc (09022015). Collection method: clinical testing. Allele origin: germline.
Comment: This sequence change creates a premature translational stop signal (p.Gly286Alafs*107) in the COL1A2 gene. It is expected to result in an absent or disrupted protein product. Loss-of-function variants in COL1A2 are known to be pathogenic (PMID: 11288717, 15077201). This variant is not present in population databases (gnomAD no frequency). This variant has not been reported in the literature in individuals affected with COL1A2-related conditions. ClinVar contains an entry for this variant (Variation ID: 802334). For these reasons, this variant has been classified as Pathogenic.

Mendelics
Classification: Pathogenic for Ehlers-Danlos syndrome, classic type, 1. Last evaluated: 2019-05-28. Review status: criteria provided, single submitter. Criteria: Mendelics Assertion Criteria 2017. Collection method: clinical testing. Allele origin: unknown.

Literature cited by the submitters: PubMed 11288717 (cited by Labcorp Genetics (formerly Invitae), Labcorp); PubMed 15077201 (cited by Labcorp Genetics (formerly Invitae), Labcorp).

NM_000089.4(COL1A2):c.857_875del (p.Gly286fs)

Gene: COL1A2 (collagen type I alpha 2 chain; plus strand). Cytogenetic location: 7q21.3.
Variant type: Deletion.
Coding change: c.857_875del on transcript NM_000089.4 (MANE Select); coding-DNA positions 857 to 875, 19 bases deleted (GTCTTCCAGGCCTCTCCGG).
Protein change: p.Gly286fs; shifts the reading frame from glycine 286.
Molecular consequence: frameshift variant.
Genome position (GRCh38, 1-based): chr7:94,409,386-94,409,404, GTCTTCCAGGCCTCTCCGG deleted; deleting any 19 consecutive bases within chr7:94,409,384-94,409,404 gives the same sequence; the c. name uses the placement nearest the transcript's 3' end. VCF-style (leftmost placement, unchanged base first): chr7-94409383-TGGGTCTTCCAGGCCTCTCC-T. GRCh37 (hg19) VCF-style: chr7-94038695-TGGGTCTTCCAGGCCTCTCC-T.
Other names: short protein forms G286fs.
Identifiers: ClinVar variation 802334 (VCV000802334.5), dbSNP rs1584319045, ClinGen allele CA915945363.